The following is an entry in ClinVar:

NM_001378120.1(MBD5):c.1963G>T (p.Ala655Ser)

Gene: MBD5 (methyl-CpG binding domain protein 5; plus strand). Cytogenetic location: 2q23.1.
Variant type: single nucleotide variant.
Coding change: c.1963G>T on transcript NM_001378120.1 (MANE Select); coding-DNA position 1963, G replaced by T.
Protein change: p.Ala655Ser; replaces alanine 655 with serine.
Molecular consequence: missense variant.
Genome position (GRCh38, 1-based): chr2:148,469,906, G>T. VCF-style: chr2-148469906-G-T. GRCh37 (hg19) VCF-style: chr2-149227475-G-T.
Other names: c.1963G>T, p.Ala655Ser (NM_018328.5); short protein forms A655S.
Identifiers: ClinVar variation 2198788 (VCV002198788.4), dbSNP rs576930680, ClinGen allele CA348720821.

ClinVar aggregate classification (germline): Uncertain significance (1 of 4 stars; one submission).

Conditions:
Intellectual developmental disorder, autosomal dominant 1. Also called: Intellectual disability, autosomal dominant 1; MBD5 Haploinsufficiency. Identifiers: Orphanet 228402, MedGen C1969562, MONDO:0007974, OMIM 156200.

gnomAD v4.1: 1 of 1,613,918 alleles (0.000062%); highest among the groups gnomAD compares: Non-Finnish European, 0.000085%; no homozygotes.

Submission:

Labcorp Genetics (formerly Invitae), Labcorp
Classification: Uncertain significance for Intellectual developmental disorder, autosomal dominant 1. Last evaluated: 2023-08-04. Review status: criteria provided, single submitter. Criteria: Invitae Variant Classification Sherloc (09022015). Collection method: clinical testing. Allele origin: germline.
Comment: This sequence change replaces alanine, which is neutral and non-polar, with serine, which is neutral and polar, at codon 655 of the MBD5 protein (p.Ala655Ser). This variant is not present in population databases (gnomAD no frequency). This variant has not been reported in the literature in individuals affected with MBD5-related conditions. ClinVar contains an entry for this variant (Variation ID: 2198788). Advanced modeling of protein sequence and biophysical properties (such as structural, functional, and spatial information, amino acid conservation, physicochemical variation, residue mobility, and thermodynamic stability) performed at Invitae indicates that this missense variant is not expected to disrupt MBD5 protein function. In summary, the available evidence is currently insufficient to determine the role of this variant in disease. Therefore, it has been classified as a Variant of Uncertain Significance.